The following is an entry in ClinVar:

ClinVar aggregate classification (germline): Uncertain significance (1 of 4 stars; one submission).

Conditions:
Leukocyte adhesion deficiency 1 (LAD1). Also called: LEUKOCYTE ADHESION DEFICIENCY, TYPE I; LAD 1; Lymphocyte function-associated antigen 1 immunodeficiency; LFA 1 immunodeficiency. Identifiers: Orphanet 2968, Orphanet 99842, MedGen C0398738, MONDO:0007293, OMIM 116920.

Allele frequency attached by ClinVar (database versions not stated): gnomAD exomes below 0.00001; gnomAD 0.00001; TOPMed 0.00002.
gnomAD v4.1: 2 of 1,613,912 alleles (0.00012%); highest among the groups gnomAD compares: Non-Finnish European, 0.00017%; no homozygotes.

Submission:

Labcorp Genetics (formerly Invitae), Labcorp
Classification: Uncertain significance for Leukocyte adhesion deficiency 1. Last evaluated: 2023-11-27. Review status: criteria provided, single submitter. Criteria: Invitae Variant Classification Sherloc (09022015). Collection method: clinical testing. Allele origin: germline.
Comment: This sequence change replaces asparagine, which is neutral and polar, with serine, which is neutral and polar, at codon 116 of the ITGB2 protein (p.Asn116Ser). This variant is present in population databases (no rsID available, gnomAD no frequency). This variant has not been reported in the literature in individuals affected with ITGB2-related conditions. ClinVar contains an entry for this variant (Variation ID: 1428031). Advanced modeling of protein sequence and biophysical properties (such as structural, functional, and spatial information, amino acid conservation, physicochemical variation, residue mobility, and thermodynamic stability) has been performed at Invitae for this missense variant, however the output from this modeling did not meet the statistical confidence thresholds required to predict the impact of this variant on ITGB2 protein function. In summary, the available evidence is currently insufficient to determine the role of this variant in disease. Therefore, it has been classified as a Variant of Uncertain Significance.

NM_000211.5(ITGB2):c.347A>G (p.Asn116Ser)

Gene: ITGB2 (integrin subunit beta 2; minus strand). Cytogenetic location: 21q22.3.
Variant type: single nucleotide variant.
Coding change: c.347A>G on transcript NM_000211.5 (MANE Select); coding-DNA position 347, A replaced by G.
Protein change: p.Asn116Ser; replaces asparagine 116 with serine.
Molecular consequence: missense variant.
Genome position (GRCh38, 1-based): chr21:44,903,517, T>C on the plus strand (A>G on the coding strand, the complement: ITGB2 is on the minus strand). VCF-style: chr21-44903517-T-C. GRCh37 (hg19) VCF-style: chr21-46323432-T-C.
Other names: c.347A>G, p.Asn116Ser (NM_001127491.3); c.140A>G, p.Asn47Ser (NM_001303238.2); short protein forms N116S, N47S.
Identifiers: ClinVar variation 1428031 (VCV001428031.8), dbSNP rs915995681, ClinGen allele CA321852103.